The following is an entry in ClinVar:

NM_012199.5(AGO1):c.2035del (p.His679fs)

Gene: AGO1 (argonaute RISC component 1; plus strand). Cytogenetic location: 1p34.3.
Variant type: Deletion.
Coding change: c.2035del on transcript NM_012199.5 (MANE Select); coding-DNA position 2035, one base deleted (C; older notation c.2035delC).
Protein change: p.His679fs; shifts the reading frame from histidine 679.
Molecular consequence: frameshift variant.
Genome position (GRCh38, 1-based): chr1:35,917,599, C deleted; the last of 2 consecutive C bases (chr1:35,917,598-35,917,599); deleting either gives the same sequence. VCF-style (leftmost placement, unchanged base first): chr1-35917597-TC-T. GRCh37 (hg19) VCF-style: chr1-36383198-TC-T.
Other names: c.2035del, p.His679fs (NM_001317122.2); c.1810del, p.His604fs (NM_001317123.2); short protein forms H604fs, H679fs.
Identifiers: ClinVar variation 3236140 (VCV003236140.1), dbSNP rs2523929929, ClinGen allele CA2825000961.

ClinVar aggregate classification (germline): Uncertain significance (1 of 4 stars; one submission).

Conditions:
Neurodevelopmental disorder with language delay and behavioral abnormalities, with or without seizures (NEDLBAS). Identifiers: MedGen C5830365, MONDO:0859531, OMIM 620292.

Submission:

MVZ Medizinische Genetik Mainz
Classification: Uncertain significance for Neurodevelopmental disorder with language delay and behavioral abnormalities, with or without seizures. Last evaluated: 2023-11-29. Review status: criteria provided, single submitter. Criteria: UK Practice Guidelines For Variant Classification V4 01 2020. Collection method: clinical testing. Allele origin: germline. Inheritance: Autosomal dominant inheritance. Affected: yes. Observed: 1 variant allele.
Comment: ACMG Criteria: PVS1_STR,PM2_SUP